The following is an entry in ClinVar:

ClinVar aggregate classification (germline): Uncertain significance (1 of 4 stars; one submission).

Conditions:
Nemaline myopathy 2 (NEM2). Also called: Nemaline myopathy 2, autosomal recessive. Identifiers: MedGen C1850569, MONDO:0009725, OMIM 256030.

gnomAD v4.1: 2 of 1,599,382 alleles (0.00013%); highest among the groups gnomAD compares: Non-Finnish European, 0.00017%; no homozygotes.

Submission:

Labcorp Genetics (formerly Invitae), Labcorp
Classification: Uncertain significance for Nemaline myopathy 2. Last evaluated: 2022-05-29. Review status: criteria provided, single submitter. Criteria: Invitae Variant Classification Sherloc (09022015). Collection method: clinical testing. Allele origin: germline.
Comment: This sequence change replaces glutamine, which is neutral and polar, with arginine, which is basic and polar, at codon 6050 of the NEB protein (p.Gln6050Arg). This variant is not present in population databases (gnomAD no frequency). This variant has not been reported in the literature in individuals affected with NEB-related conditions. Algorithms developed to predict the effect of missense changes on protein structure and function are either unavailable or do not agree on the potential impact of this missense change (SIFT: "Tolerated"; PolyPhen-2: "Not Available"; Align-GVGD: "Class C0"). In summary, the available evidence is currently insufficient to determine the role of this variant in disease. Therefore, it has been classified as a Variant of Uncertain Significance.

NM_001164508.2(NEB):c.18149A>G (p.Gln6050Arg)

Gene: NEB (nebulin; minus strand). Cytogenetic location: 2q23.3.
Variant type: single nucleotide variant.
Coding change: c.18149A>G on transcript NM_001164508.2 (MANE Select); coding-DNA position 18149, A replaced by G.
Protein change: p.Gln6050Arg; replaces glutamine 6050 with arginine.
Molecular consequence: missense variant.
Genome position (GRCh38, 1-based): chr2:151,567,175, T>C on the plus strand (A>G on the coding strand, the complement: NEB is on the minus strand). VCF-style: chr2-151567175-T-C. GRCh37 (hg19) VCF-style: chr2-152423689-T-C.
Other names: c.18149A>G, p.Gln6050Arg (NM_001164507.2, NM_001271208.2); c.13046A>G, p.Gln4349Arg (NM_004543.5); short protein forms Q4349R, Q6050R.
Identifiers: ClinVar variation 1978680 (VCV001978680.1), dbSNP rs2096444835, ClinGen allele CA348802757.